The following is an entry in ClinVar:

NM_014625.4(NPHS2):c.203A>G (p.Asp68Gly)

Gene: NPHS2 (NPHS2 stomatin family member, podocin; minus strand). Cytogenetic location: 1q25.2.
Variant type: single nucleotide variant.
Coding change: c.203A>G on transcript NM_014625.4 (MANE Select); coding-DNA position 203, A replaced by G.
Protein change: p.Asp68Gly; replaces aspartic acid 68 with glycine.
Molecular consequence: missense variant.
Genome position (GRCh38, 1-based): chr1:179,575,662, T>C on the plus strand (A>G on the coding strand, the complement: NPHS2 is on the minus strand). VCF-style: chr1-179575662-T-C. GRCh37 (hg19) VCF-style: chr1-179544797-T-C.
Other names: c.203A>G, p.Asp68Gly (NM_001297575.2); short protein forms D68G.
Identifiers: ClinVar variation 5003362 (VCV005003362.1).

ClinVar aggregate classification (germline): Uncertain significance (1 of 4 stars; one submission).

Conditions:
Nephrotic syndrome, type 2 (NPHS2). Also called: NEPHROTIC SYNDROME, STEROID-RESISTANT, AUTOSOMAL RECESSIVE. Identifiers: Orphanet 656, MedGen C1868672, MONDO:0010974, OMIM 600995.

gnomAD v4.1: 2 of 1,603,302 alleles (0.00012%); highest among the groups gnomAD compares: South Asian, 0.0022%; no homozygotes.

Submission:

Myriad Genetics, Inc.
Classification: Uncertain significance for Nephrotic syndrome, type 2. Last evaluated: 2026-08-07. Review status: criteria provided, single submitter. Criteria: Myriad Autosomal Dominant, Autosomal Recessive and X-Linked Classification Criteria (2023). Collection method: clinical testing. Allele origin: unknown.
Comment: NM_014625.2(NPHS2):c.203A>G(D68G) is a missense variant classified as a variant of uncertain significance in the context of nephrotic syndrome, NPHS2-related. D68G has not been observed in cases with relevant disease. Relevant functional assessments of this variant are not available in the literature. D68G has been observed in referenced population frequency databases. In summary, there is insufficient evidence to classify NM_014625.2(NPHS2):c.203A>G(D68G) as pathogenic or benign. Please note: this variant was assessed in the context of healthy population screening.